The following is an entry in ClinVar:

NM_005245.4(FAT1):c.11737G>A (p.Ala3913Thr)

Gene: FAT1 (FAT atypical cadherin 1; minus strand). Cytogenetic location: 4q35.2.
Variant type: single nucleotide variant.
Coding change: c.11737G>A on transcript NM_005245.4 (MANE Select); coding-DNA position 11737, G replaced by A.
Protein change: p.Ala3913Thr; replaces alanine 3913 with threonine.
Molecular consequence: missense variant.
Genome position (GRCh38, 1-based): chr4:186,600,264, C>T on the plus strand (G>A on the coding strand, the complement: FAT1 is on the minus strand). VCF-style: chr4-186600264-C-T. GRCh37 (hg19) VCF-style: chr4-187521418-C-T.
Other names: short protein forms A3913T.
Identifiers: ClinVar variation 2635845 (VCV002635845.1), dbSNP rs773650405, ClinGen allele CA358970614.

ClinVar aggregate classification (germline): Uncertain significance (1 of 4 stars; one submission).

Conditions:
FAT1-related disorder. Also called: FAT1-related condition.

gnomAD v4.1: 9 of 1,613,864 alleles (0.00056%); highest among the groups gnomAD compares: Middle Eastern, 0.016%; no homozygotes.

Submission:

PreventionGenetics, part of Exact Sciences
Classification: Uncertain significance for FAT1-related condition. Last evaluated: 2023-01-20. Review status: criteria provided, single submitter. Criteria: ACMG Guidelines, 2015. Collection method: clinical testing. Allele origin: germline.
Comment: The FAT1 c.11737G>A variant is predicted to result in the amino acid substitution p.Ala3913Thr. To our knowledge, this variant has not been reported in the literature. This variant is reported in 0.0033% of alleles in individuals of South Asian descent in gnomAD. At this time, the clinical significance of this variant is uncertain due to the absence of conclusive functional and genetic evidence.